The following is an entry in ClinVar:

NM_001253697.2(ERBIN):c.3133C>T (p.His1045Tyr)

Gene: ERBIN (erbb2 interacting protein; plus strand). Cytogenetic location: 5q12.3.
Variant type: single nucleotide variant.
Coding change: c.3133C>T on transcript NM_001253697.2 (MANE Select); coding-DNA position 3133, C replaced by T.
Protein change: p.His1045Tyr; replaces histidine 1045 with tyrosine.
Molecular consequence: missense variant.
Genome position (GRCh38, 1-based): chr5:66,054,451, C>T. VCF-style: chr5-66054451-C-T. GRCh37 (hg19) VCF-style: chr5-65350279-C-T.
Other names: p.His1045Tyr; c.3133C>T, p.His1045Tyr (NM_001006600.3, NM_001253698.2, NM_001253699.2 and 1 more transcripts); c.3121C>T, p.His1041Tyr (NM_001253701.2); c.3133C>T (NM_001006600.2); short protein forms H1041Y, H1045Y.
Identifiers: ClinVar variation 770911 (VCV000770911.37), dbSNP rs142496054, ClinGen allele CA3286594.

ClinVar aggregate classification (germline): Benign/Likely benign. Review status: criteria provided, multiple submitters, no conflicts (2 of 4 stars). 5 submissions from 5 submitters: Benign (3); Likely benign (1). 1 of the submissions does not count toward it. Last evaluated 2026-07-01.

Conditions:
ERBIN-related disorder. Also called: ERBIN-related condition.

Allele frequency attached by ClinVar (database versions not stated): 1000 Genomes Project 30x 0.00281; 1000 Genomes Project 0.00319; ESP Exome Variant Server 0.00546; TOPMed 0.00594; gnomAD 0.00703 and 0.00715; ExAC 0.00705; gnomAD exomes 0.00750 and 0.00805.
gnomAD v4.1: 12,799 of 1,614,152 alleles (0.79%); highest among the groups gnomAD compares: Middle Eastern, 1.3%; 74 homozygotes.

Submissions (5):

CeGaT Center for Human Genetics Tuebingen
Classification: Likely benign. Last evaluated: 2026-07-01. Review status: criteria provided, single submitter. Criteria: CeGaT Center For Human Genetics Tuebingen Variant Classification Criteria Version 2. Collection method: clinical testing. Allele origin: germline. Affected: yes. Observed: 4 variant alleles.
Comment: ERBIN: BP4, BS2

Labcorp Genetics (formerly Invitae), Labcorp
Classification: Benign. Last evaluated: 2026-02-01. Review status: criteria provided, single submitter. Criteria: Invitae Variant Classification Sherloc (09022015). Collection method: clinical testing. Allele origin: germline.

Mayo Clinic Laboratories, Mayo Clinic
Classification: Benign. Last evaluated: 2024-05-09. Review status: criteria provided, single submitter. Criteria: ACMG Guidelines, 2015. Collection method: clinical testing. Allele origin: germline. Observed: 4 variant alleles.
Comment: BS1, BS2, BP4

Breakthrough Genomics
Classification: Benign. Review status: criteria provided, single submitter. Criteria: ACMG Guidelines, 2015. Collection method: not provided. Allele origin: germline. Inheritance: Unknown mechanism. Affected: yes.

PreventionGenetics, part of Exact Sciences
Classification: Benign for ERBIN-related condition. Last evaluated: 2024-01-28. Review status: no assertion criteria provided. Collection method: clinical testing. Allele origin: germline. Not counted in ClinVar's aggregate classification.
Comment: This variant is classified as benign based on ACMG/AMP sequence variant interpretation guidelines (Richards et al. 2015 PMID: 25741868, with internal and published modifications).